The following is an entry in ClinVar:

NM_004174.4(SLC9A3):c.241G>A (p.Val81Met)

Gene: SLC9A3 (solute carrier family 9 member A3). Cytogenetic location: 5p15.33.
Variant type: single nucleotide variant.
Coding change: c.241G>A on transcript NM_004174.4 (MANE Select); coding-DNA position 241, G replaced by A.
Protein change: p.Val81Met; replaces valine 81 with methionine.
Molecular consequence: missense variant.
Genome position (GRCh38, 1-based): chr5:492,042, C>T on the plus strand (G>A on the coding strand, the complement: SLC9A3 is on the minus strand). VCF-style: chr5-492042-C-T. GRCh37 (hg19) VCF-style: chr5-492157-C-T.
Other names: c.241G>A, p.Val81Met (NM_001284351.3); short protein forms V81M.
Identifiers: ClinVar variation 1991070 (VCV001991070.3), dbSNP rs1409190584, ClinGen allele CA359031641.

ClinVar aggregate classification (germline): Uncertain significance (1 of 4 stars; one submission).

gnomAD v4.1: 29 of 1,512,098 alleles (0.0019%); highest among the groups gnomAD compares: Admixed American, 0.017%; no homozygotes.

Submission:

Labcorp Genetics (formerly Invitae), Labcorp
Classification: Uncertain significance. Last evaluated: 2023-08-18. Review status: criteria provided, single submitter. Criteria: Invitae Variant Classification Sherloc (09022015). Collection method: clinical testing. Allele origin: germline.
Comment: ClinVar contains an entry for this variant (Variation ID: 1991070). Advanced modeling of protein sequence and biophysical properties (such as structural, functional, and spatial information, amino acid conservation, physicochemical variation, residue mobility, and thermodynamic stability) performed at Invitae indicates that this missense variant is not expected to disrupt SLC9A3 protein function. This variant has not been reported in the literature in individuals affected with SLC9A3-related conditions. This variant is present in population databases (no rsID available, gnomAD 0.01%). This sequence change replaces valine, which is neutral and non-polar, with methionine, which is neutral and non-polar, at codon 81 of the SLC9A3 protein (p.Val81Met). In summary, the available evidence is currently insufficient to determine the role of this variant in disease. Therefore, it has been classified as a Variant of Uncertain Significance.